The following is an entry in ClinVar:

ClinVar aggregate classification (germline): Uncertain significance (1 of 4 stars; one submission).

Conditions:
Mitochondrial complex II deficiency, nuclear type 1. Also called: SUCCINATE CoQ REDUCTASE DEFICIENCY. Identifiers: Orphanet 3208, MedGen C5700310, MONDO:0100294, OMIM 252011.
Pheochromocytoma/paraganglioma syndrome 5. Also called: Paragangliomas 5; SDHA-Related Hereditary Paraganglioma-Pheochromocytoma Syndrome. Identifiers: Orphanet 29072, MedGen C3279992, MONDO:0013602, OMIM 614165.

Submission:

Labcorp Genetics (formerly Invitae), Labcorp
Classification: Uncertain significance for Pheochromocytoma/paraganglioma syndrome 5; Mitochondrial complex II deficiency, nuclear type 1. Last evaluated: 2022-12-25. Review status: criteria provided, single submitter. Criteria: Invitae Variant Classification Sherloc (09022015). Collection method: clinical testing. Allele origin: germline.
Comment: This sequence change replaces valine, which is neutral and non-polar, with alanine, which is neutral and non-polar, at codon 557 of the SDHA protein (p.Val557Ala). This variant is not present in population databases (gnomAD no frequency). This variant has not been reported in the literature in individuals affected with SDHA-related conditions. Advanced modeling of protein sequence and biophysical properties (such as structural, functional, and spatial information, amino acid conservation, physicochemical variation, residue mobility, and thermodynamic stability) performed at Invitae indicates that this missense variant is not expected to disrupt SDHA protein function. In summary, the available evidence is currently insufficient to determine the role of this variant in disease. Therefore, it has been classified as a Variant of Uncertain Significance.

NM_004168.4(SDHA):c.1670T>C (p.Val557Ala)

Gene: SDHA (succinate dehydrogenase complex flavoprotein subunit A; plus strand). Cytogenetic location: 5p15.33.
Variant type: single nucleotide variant.
Coding change: c.1670T>C on transcript NM_004168.4 (MANE Select); coding-DNA position 1670, T replaced by C.
Protein change: p.Val557Ala; replaces valine 557 with alanine.
Molecular consequence: missense variant. On other transcripts: intron variant (1).
Genome position (GRCh38, 1-based): chr5:251,344, T>C. VCF-style: chr5-251344-T-C. GRCh37 (hg19) VCF-style: chr5-251459-T-C.
Other names: c.1526T>C, p.Val509Ala (NM_001294332.2); c.1552-3049T>C (NM_001330758.2); short protein forms V509A, V557A.
Identifiers: ClinVar variation 2942684 (VCV002942684.3), dbSNP rs2477457662, ClinGen allele CA358999855.